The following is an entry in ClinVar:

NM_001206927.2(DNAH8):c.11819C>T (p.Ser3940Phe)

Genes: DNAH8 (dynein axonemal heavy chain 8; plus strand), DNAH8-AS1 (DNAH8 antisense RNA 1; minus strand). Cytogenetic location: 6p21.2.
Variant type: single nucleotide variant.
Coding change: c.11819C>T on transcript NM_001206927.2 (MANE Select); coding-DNA position 11819, C replaced by T.
Protein change: p.Ser3940Phe; replaces serine 3940 with phenylalanine.
Molecular consequence: missense variant.
Genome position (GRCh38, 1-based): chr6:38,938,800, C>T. VCF-style: chr6-38938800-C-T. GRCh37 (hg19) VCF-style: chr6-38906576-C-T.
Other names: c.11168C>T, p.Ser3723Phe (NM_001371.4); short protein forms S3723F, S3940F.
Identifiers: ClinVar variation 1034522 (VCV001034522.6), dbSNP rs182335901, ClinGen allele CA137597802.

ClinVar aggregate classification (germline): Uncertain significance (1 of 4 stars; one submission).

Conditions:
Primary ciliary dyskinesia. Also called: Ciliary dyskinesia. Identifiers: Orphanet 244, MedGen C0008780, MONDO:0016575, HP:0012265.

Allele frequency attached by ClinVar (database versions not stated): TOPMed 0.00001.
gnomAD v4.1: 4 of 1,593,516 alleles (0.00025%); highest among the groups gnomAD compares: Admixed American, 0.0072%; no homozygotes.

Submission:

Labcorp Genetics (formerly Invitae), Labcorp
Classification: Uncertain significance for Primary ciliary dyskinesia. Last evaluated: 2021-08-28. Review status: criteria provided, single submitter. Criteria: Invitae Variant Classification Sherloc (09022015). Collection method: clinical testing. Allele origin: germline.
Comment: This sequence change replaces serine with phenylalanine at codon 3940 of the DNAH8 protein (p.Ser3940Phe). The serine residue is moderately conserved and there is a large physicochemical difference between serine and phenylalanine. This variant is not present in population databases (ExAC no frequency). This variant has not been reported in the literature in individuals affected with DNAH8-related conditions. Experimental studies and prediction algorithms are not available or were not evaluated, and the functional significance of this variant is currently unknown. In summary, the available evidence is currently insufficient to determine the role of this variant in disease. Therefore, it has been classified as a Variant of Uncertain Significance.